The following is an entry in ClinVar:

NM_000051.4(ATM):c.5595T>G (p.His1865Gln)

Gene: ATM (ATM serine/threonine kinase; plus strand). Cytogenetic location: 11q22.3.
Variant type: single nucleotide variant.
Coding change: c.5595T>G on transcript NM_000051.4 (MANE Select); coding-DNA position 5595, T replaced by G.
Protein change: p.His1865Gln; replaces histidine 1865 with glutamine.
Molecular consequence: missense variant.
Genome position (GRCh38, 1-based): chr11:108,304,773, T>G. VCF-style: chr11-108304773-T-G. GRCh37 (hg19) VCF-style: chr11-108175500-T-G.
Other names: c.5595T>G, p.His1865Gln (NM_001351834.2); short protein forms H1865Q.
Identifiers: ClinVar variation 945329 (VCV000945329.9), dbSNP rs772261410, ClinGen allele CA382546198.
Genomic context (GRCh38, chr11:108,304,773, plus strand): 5'-GATTCATGATATTTTACTCCAAGATACAAATGAATCATGGAGAAATCTGCTTTCTACACA[T>G]GTTCAGGGATTTTTCACCAGCTGTCTTCGACACTTCTCGCAAACGAGCCGATCCACAACC-3'
Protein context (NP_000042.3, residues 1855-1875): NESWRNLLST[His1865Gln]VQGFFTSCLR

ClinVar aggregate classification (germline): Uncertain significance (1 of 4 stars; one submission).

Conditions:
Ataxia-telangiectasia syndrome (AT). Also called: Ataxia-telangiectasia, complementation group E; Ataxia telangiectasia (A-T); LOUIS-BAR SYNDROME; ATAXIA-TELANGIECTASIA, FRESNO VARIANT; AT, COMPLEMENTATION GROUP C; Ataxia-telangiectasia. Identifiers: Orphanet 100, MedGen C0004135, MONDO:0008840, OMIM 208900.

Submission:

Labcorp Genetics (formerly Invitae), Labcorp
Classification: Uncertain significance for Ataxia-telangiectasia syndrome. Last evaluated: 2022-05-22. Review status: criteria provided, single submitter. Criteria: Invitae Variant Classification Sherloc (09022015). Collection method: clinical testing. Allele origin: germline.
Comment: Studies have shown that this missense change results in the activation of a cryptic splice site in exon 37 (Invitae). In summary, the available evidence is currently insufficient to determine the role of this variant in disease. Therefore, it has been classified as a Variant of Uncertain Significance. Advanced modeling of protein sequence and biophysical properties (such as structural, functional, and spatial information, amino acid conservation, physicochemical variation, residue mobility, and thermodynamic stability) performed at Invitae indicates that this missense variant is not expected to disrupt ATM protein function. ClinVar contains an entry for this variant (Variation ID: 945329). This variant has not been reported in the literature in individuals affected with ATM-related conditions. This variant is not present in population databases (gnomAD no frequency). This sequence change replaces histidine, which is basic and polar, with glutamine, which is neutral and polar, at codon 1865 of the ATM protein (p.His1865Gln). RNA analysis indicates that this missense change induces altered splicing and likely results in the loss of 33 amino acid residue(s), but is expected to preserve the integrity of the reading-frame.